The following is an entry in ClinVar:

ClinVar aggregate classification (germline): Uncertain significance (1 of 4 stars; one submission).

Conditions:
Nephronophthisis. Also called: Juvenile Nephronophthisis. Identifiers: Orphanet 655, MedGen C0687120, MONDO:0019005, HP:0000090.

Submission:

Labcorp Genetics (formerly Invitae), Labcorp
Classification: Uncertain significance for Nephronophthisis. Last evaluated: 2022-12-06. Review status: criteria provided, single submitter. Criteria: Invitae Variant Classification Sherloc (09022015). Collection method: clinical testing. Allele origin: germline.
Comment: In summary, the available evidence is currently insufficient to determine the role of this variant in disease. Therefore, it has been classified as a Variant of Uncertain Significance. This variant is not present in population databases (gnomAD no frequency). Variants that disrupt the consensus splice site are a relatively common cause of aberrant splicing (PMID: 17576681, 9536098). Algorithms developed to predict the effect of sequence changes on RNA splicing suggest that this variant is not likely to affect RNA splicing. This variant has not been reported in the literature in individuals affected with NPHP1-related conditions. This sequence change falls in intron 5 of the NPHP1 gene. It does not directly change the encoded amino acid sequence of the NPHP1 protein. It affects a nucleotide within the consensus splice site.

Literature cited by the submitters: PubMed 17576681; PubMed 9536098.

NM_001128178.3(NPHP1):c.522+4G>C

Gene: NPHP1 (nephrocystin 1; minus strand). Cytogenetic location: 2q13.
Variant type: single nucleotide variant.
Coding change: c.522+4G>C on transcript NM_001128178.3 (MANE Select); 4 bases into the intron after coding-DNA position 522, G replaced by C.
Molecular consequence: intron variant.
Genome position (GRCh38, 1-based): chr2:110,169,802, C>G on the plus strand (G>C on the coding strand, the complement: NPHP1 is on the minus strand). VCF-style: chr2-110169802-C-G. GRCh37 (hg19) VCF-style: chr2-110927379-C-G.
Other names: c.336+4G>C (NM_001128179.3); c.522+4G>C (NM_001374256.1, NM_001374257.1, NM_207181.4 and 1 more transcripts).
Identifiers: ClinVar variation 2119548 (VCV002119548.4), dbSNP rs1407167288, ClinGen allele CA2580063731.